The following is an entry in ClinVar:

NM_001904.4(CTNNB1):c.1964C>T (p.Ala655Val)

Gene: CTNNB1 (catenin beta 1; plus strand). Cytogenetic location: 3p22.1.
Variant type: single nucleotide variant.
Coding change: c.1964C>T on transcript NM_001904.4 (MANE Select); coding-DNA position 1964, C replaced by T.
Protein change: p.Ala655Val; replaces alanine 655 with valine.
Molecular consequence: missense variant.
Genome position (GRCh38, 1-based): chr3:41,236,597, C>T. VCF-style: chr3-41236597-C-T. GRCh37 (hg19) VCF-style: chr3-41278088-C-T.
Other names: c.1964C>T, p.Ala655Val (NM_001098209.2, NM_001098210.2); c.1943C>T, p.Ala648Val (NM_001330729.2); short protein forms A648V, A655V.
Identifiers: ClinVar variation 1358484 (VCV001358484.8), dbSNP rs2078441209, ClinGen allele CA352236447.

ClinVar aggregate classification (germline): Uncertain significance (1 of 4 stars; one submission).

Allele frequency attached by ClinVar (database versions not stated): gnomAD exomes below 0.00001.
gnomAD v4.1: 1 of 1,614,212 alleles (0.000062%); highest among the groups gnomAD compares: South Asian, 0.0011%; no homozygotes.

Submission:

Labcorp Genetics (formerly Invitae), Labcorp
Classification: Uncertain significance. Last evaluated: 2020-12-22. Review status: criteria provided, single submitter. Criteria: Invitae Variant Classification Sherloc (09022015). Collection method: clinical testing. Allele origin: germline.
Comment: In summary, the available evidence is currently insufficient to determine the role of this variant in disease. Therefore, it has been classified as a Variant of Uncertain Significance. Algorithms developed to predict the effect of missense changes on protein structure and function are either unavailable or do not agree on the potential impact of this missense change (SIFT: "Tolerated"; PolyPhen-2: "Possibly Damaging"; Align-GVGD: "Class C0"). This variant has not been reported in the literature in individuals with CTNNB1-related conditions. This variant is not present in population databases (ExAC no frequency). This sequence change replaces alanine with valine at codon 655 of the CTNNB1 protein (p.Ala655Val). The alanine residue is highly conserved and there is a small physicochemical difference between alanine and valine.